The following is an entry in ClinVar:

ClinVar aggregate classification (germline): Uncertain significance (1 of 4 stars; one submission).

Conditions:
Fanconi anemia (FA). Also called: Fanconi's anemia. Identifiers: Orphanet 84, MedGen C0015625, MeSH D005199, MONDO:0019391.

gnomAD v4.1: 3 of 1,613,360 alleles (0.00019%); highest among the groups gnomAD compares: Non-Finnish European, 0.00017%; no homozygotes.

Submission:

Labcorp Genetics (formerly Invitae), Labcorp
Classification: Uncertain significance for Fanconi anemia. Last evaluated: 2025-12-13. Review status: criteria provided, single submitter. Criteria: Invitae Variant Classification Sherloc (09022015). Collection method: clinical testing. Allele origin: germline.
Comment: This sequence change replaces alanine, which is neutral and non-polar, with serine, which is neutral and polar, at codon 367 of the FANCD2 protein (p.Ala367Ser). This variant is present in population databases (rs369070813, gnomAD 0.0009%). This variant has not been reported in the literature in individuals affected with FANCD2-related conditions. An algorithm developed to predict the effect of missense changes on protein structure and function (PolyPhen-2) suggests that this variant is likely to be disruptive. In summary, the available evidence is currently insufficient to determine the role of this variant in disease. Therefore, it has been classified as a Variant of Uncertain Significance.

NM_001018115.3(FANCD2):c.1099G>T (p.Ala367Ser)

Genes: FANCD2 (FA complementation group D2; plus strand), LOC107303338 (3p25 FANCD2 Alu-mediated recombination region; plus strand). Cytogenetic location: 3p25.3.
Variant type: single nucleotide variant.
Coding change: c.1099G>T on transcript NM_001018115.3 (MANE Select); coding-DNA position 1099, G replaced by T.
Protein change: p.Ala367Ser; replaces alanine 367 with serine.
Molecular consequence: missense variant.
Genome position (GRCh38, 1-based): chr3:10,043,829, G>T. VCF-style: chr3-10043829-G-T. GRCh37 (hg19) VCF-style: chr3-10085513-G-T.
Other names: c.1099G>T, p.Ala367Ser (NM_001319984.2, NM_001374253.1, NM_001374254.1 and 1 more transcripts); short protein forms A367S.
Identifiers: ClinVar variation 4797274 (VCV004797274.1).